The following is an entry in ClinVar:

NM_017617.5(NOTCH1):c.7485C>A (p.Asp2495Glu)

Gene: NOTCH1 (notch receptor 1; minus strand). Cytogenetic location: 9q34.3.
Variant type: single nucleotide variant.
Coding change: c.7485C>A on transcript NM_017617.5 (MANE Select); coding-DNA position 7485, C replaced by A.
Protein change: p.Asp2495Glu; replaces aspartic acid 2495 with glutamic acid.
Molecular consequence: missense variant.
Genome position (GRCh38, 1-based): chr9:136,496,254, G>T on the plus strand (C>A on the coding strand, the complement: NOTCH1 is on the minus strand). VCF-style: chr9-136496254-G-T. GRCh37 (hg19) VCF-style: chr9-139390706-G-T.
Other names: short protein forms D2495E.
Identifiers: ClinVar variation 2637264 (VCV002637264.1), dbSNP rs2133314562, ClinGen allele CA375626109.
Genomic context (GRCh38, chr9:136,496,254, plus strand): 5'-CTCAGGGGACGGGGTGAGGAAGGGGTGCTCAGGCACCTGTAGCTGGTGGCTGGGGGTGTT[G>T]TCCACAGGCGAGGAGTAGCTGTGCTGCGAGGGGGGCGTCAGGAACTGGGCTGCGGTCACG-3'
Protein context (NP_060087.3, residues 2485-2505): PSQHSYSSPV[Asp2495Glu]NTPSHQLQVP

ClinVar aggregate classification (germline): Uncertain significance (1 of 4 stars; one submission).

Conditions:
NOTCH1-related disorder. Also called: NOTCH1-related disorders; NOTCH1-related condition.

gnomAD v4.1: 1 of 1,603,710 alleles (0.000062%); no homozygotes.

Submission:

PreventionGenetics, part of Exact Sciences
Classification: Uncertain significance for NOTCH1-related condition. Last evaluated: 2022-10-08. Review status: criteria provided, single submitter. Criteria: ACMG Guidelines, 2015. Collection method: clinical testing. Allele origin: germline.
Comment: The NOTCH1 c.7485C>A variant is predicted to result in the amino acid substitution p.Asp2495Glu. To our knowledge, this variant has not been reported in the literature or in a large population database, indicating this variant is rare. At this time, the clinical significance of this variant is uncertain due to the absence of conclusive functional and genetic evidence.